The following is an entry in ClinVar:

ClinVar aggregate classification (germline): Uncertain significance. Review status: criteria provided, multiple submitters, no conflicts (2 of 4 stars). 2 submissions from 2 submitters: Uncertain significance (2). Last evaluated 2025-11-10.

Conditions:
Cardiovascular phenotype. Identifiers: MedGen CN230736.
Hereditary cancer-predisposing syndrome. Also called: Hereditary Cancer Syndrome; Hereditary neoplastic syndrome; Neoplastic Syndromes, Hereditary; Tumor predisposition. Identifiers: Orphanet 140162, MedGen C0027672, MeSH D009386, MONDO:0015356.

Submissions (2):

Labcorp Genetics (formerly Invitae), Labcorp
Classification: Uncertain significance. Last evaluated: 2025-11-10. Review status: criteria provided, single submitter. Criteria: Invitae Variant Classification Sherloc (09022015). Collection method: clinical testing. Allele origin: germline.
Comment: This sequence change replaces valine, which is neutral and non-polar, with alanine, which is neutral and non-polar, at codon 511 of the LZTR1 protein (p.Val511Ala). This variant is not present in population databases (gnomAD no frequency). This variant has not been reported in the literature in individuals affected with LZTR1-related conditions. ClinVar contains an entry for this variant (Variation ID: 1774659). Invitae Evidence Modeling of protein sequence and biophysical properties (such as structural, functional, and spatial information, amino acid conservation, physicochemical variation, residue mobility, and thermodynamic stability) indicates that this missense variant is not expected to disrupt LZTR1 protein function with a negative predictive value of 80%. In summary, the available evidence is currently insufficient to determine the role of this variant in disease. Therefore, it has been classified as a Variant of Uncertain Significance.

Ambry Genetics
Classification: Uncertain significance for Cardiovascular phenotype; Hereditary cancer-predisposing syndrome. Last evaluated: 2022-02-23. Review status: criteria provided, single submitter. Criteria: Ambry Variant Classification Scheme 2023. Collection method: clinical testing. Allele origin: germline.
Comment: The p.V511A variant (also known as c.1532T>C), located in coding exon 14 of the LZTR1 gene, results from a T to C substitution at nucleotide position 1532. The valine at codon 511 is replaced by alanine, an amino acid with similar properties. This amino acid position is conserved. In addition, this alteration is predicted to be deleterious by in silico analysis. Since supporting evidence is limited at this time, the clinical significance of this alteration remains unclear.

NM_006767.4(LZTR1):c.1532T>C (p.Val511Ala)

Gene: LZTR1 (leucine zipper like post translational regulator 1; plus strand). Cytogenetic location: 22q11.21.
Variant type: single nucleotide variant.
Coding change: c.1532T>C on transcript NM_006767.4 (MANE Select); coding-DNA position 1532, T replaced by C.
Protein change: p.Val511Ala; replaces valine 511 with alanine.
Molecular consequence: missense variant.
Genome position (GRCh38, 1-based): chr22:20,994,186, T>C. VCF-style: chr22-20994186-T-C. GRCh37 (hg19) VCF-style: chr22-21348475-T-C.
Other names: short protein forms V511A.
Identifiers: ClinVar variation 1774659 (VCV001774659.4), dbSNP rs1437765817, ClinGen allele CA410775764.